The following is an entry in ClinVar:

ClinVar aggregate classification (germline): Conflicting classifications of pathogenicity. Review status: criteria provided, conflicting classifications (1 of 4 stars). 2 submissions from 2 submitters: Uncertain significance (1); Likely benign (1). Last evaluated 2026-01-26.

Conditions:
Nemaline myopathy 2 (NEM2). Also called: Nemaline myopathy 2, autosomal recessive. Identifiers: MedGen C1850569, MONDO:0009725, OMIM 256030.

Allele frequency attached by ClinVar (database versions not stated): gnomAD 0.00001; TOPMed 0.00004; gnomAD exomes 0.00005 and 0.00011; ESP Exome Variant Server 0.00016; ExAC 0.00023.
gnomAD v4.1: 77 of 1,613,300 alleles (0.0048%); highest among the groups gnomAD compares: Non-Finnish European, 0.0064%; no homozygotes.

Submissions (2):

Labcorp Genetics (formerly Invitae), Labcorp
Classification: Likely benign for Nemaline myopathy 2. Last evaluated: 2026-01-26. Review status: criteria provided, single submitter. Criteria: Invitae Variant Classification Sherloc (09022015). Collection method: clinical testing. Allele origin: germline.

GeneDx
Classification: Uncertain significance. Last evaluated: 2020-01-14. Review status: criteria provided, single submitter. Criteria: GeneDx Variant Classification Process June 2021. Collection method: clinical testing. Allele origin: germline. Affected: yes.
Comment: Has not been previously published as pathogenic or benign to our knowledge; In-silico analysis, which includes splice predictors and evolutionary conservation, is inconclusive as to whether the variant alters gene splicing. In the absence of RNA/functional studies, the actual effect of this sequence change is unknown.

NM_001164508.2(NEB):c.7123T>C (p.Leu2375=)

Gene: NEB (nebulin; minus strand). Cytogenetic location: 2q23.3.
Variant type: single nucleotide variant.
Coding change: c.7123T>C on transcript NM_001164508.2 (MANE Select); coding-DNA position 7123, T replaced by C.
Protein change: p.Leu2375=; no amino-acid change (leucine 2375 retained).
Molecular consequence: synonymous variant.
Genome position (GRCh38, 1-based): chr2:151,650,678, A>G on the plus strand (T>C on the coding strand, the complement: NEB is on the minus strand). VCF-style: chr2-151650678-A-G. GRCh37 (hg19) VCF-style: chr2-152507192-A-G.
Other names: c.7123T>C, p.Leu2375= (NM_001164507.2, NM_001271208.2, NM_004543.5).
Identifiers: ClinVar variation 465631 (VCV000465631.13), dbSNP rs373895191, ClinGen allele CA1909930.